The following is an entry in ClinVar:

ClinVar aggregate classification (germline): Uncertain significance. Review status: criteria provided, multiple submitters, no conflicts (2 of 4 stars). 3 submissions from 3 submitters: Uncertain significance (3). Last evaluated 2024-12-30.

Conditions:
Ellis-van Creveld syndrome (EVC). Also called: EVC-Related Ellis-van Creveld Syndrome; EVC2-Related Ellis-van Creveld Syndrome; MESOECTODERMAL DYSPLASIA; Chondroectodermal dysplasia. Identifiers: Orphanet 289, MedGen C0013903, MONDO:0009162, OMIM 225500.
Curry-Hall syndrome (WAD). Also called: WEYERS ACRODENTAL DYSOSTOSIS. Identifiers: Orphanet 952, MedGen C0457013, MONDO:0008673, OMIM 193530.
Inborn genetic diseases. Identifiers: MedGen C0950123, MeSH D030342.

Allele frequency attached by ClinVar (database versions not stated): gnomAD 0.00009; ExAC 0.00004; TOPMed 0.00006.

Submissions (3):

Ambry Genetics
Classification: Uncertain significance for Inborn genetic diseases. Last evaluated: 2024-12-30. Review status: criteria provided, single submitter. Criteria: Ambry Variant Classification Scheme 2023. Collection method: clinical testing. Allele origin: germline.

Labcorp Genetics (formerly Invitae), Labcorp
Classification: Uncertain significance for Curry-Hall syndrome; Ellis-van Creveld syndrome. Last evaluated: 2022-08-09. Review status: criteria provided, single submitter. Criteria: Invitae Variant Classification Sherloc (09022015). Collection method: clinical testing. Allele origin: germline.
Comment: This sequence change replaces lysine, which is basic and polar, with glutamic acid, which is acidic and polar, at codon 918 of the EVC protein (p.Lys918Glu). This variant is present in population databases (rs780968816, gnomAD 0.009%). This variant has not been reported in the literature in individuals affected with EVC-related conditions. ClinVar contains an entry for this variant (Variation ID: 349209). Algorithms developed to predict the effect of missense changes on protein structure and function are either unavailable or do not agree on the potential impact of this missense change (SIFT: "Deleterious"; PolyPhen-2: "Benign"; Align-GVGD: "Class C0"). In summary, the available evidence is currently insufficient to determine the role of this variant in disease. Therefore, it has been classified as a Variant of Uncertain Significance.

Illumina Laboratory Services, Illumina
Classification: Uncertain significance for Ellis-van Creveld syndrome. Last evaluated: 2018-01-12. Review status: criteria provided, single submitter. Criteria: ICSL Variant Classification Criteria 13 December 2019. Collection method: clinical testing. Allele origin: germline.

NM_153717.3(EVC):c.2752A>G (p.Lys918Glu)

Gene: EVC (EvC ciliary complex subunit 1; plus strand). Cytogenetic location: 4p16.2.
Variant type: single nucleotide variant.
Coding change: c.2752A>G on transcript NM_153717.3 (MANE Select); coding-DNA position 2752, A replaced by G.
Protein change: p.Lys918Glu; replaces lysine 918 with glutamic acid.
Molecular consequence: missense variant.
Genome position (GRCh38, 1-based): chr4:5,809,581, A>G. VCF-style: chr4-5809581-A-G. GRCh37 (hg19) VCF-style: chr4-5811308-A-G.
Other names: c.2752A>G, p.Lys918Glu (NM_001306090.2); short protein forms K918E.
Identifiers: ClinVar variation 349209 (VCV000349209.7), dbSNP rs780968816, ClinGen allele CA2836672.